The following is an entry in ClinVar:

ClinVar aggregate classification (germline): Uncertain significance. Review status: criteria provided, multiple submitters, no conflicts (2 of 4 stars). 2 submissions from 2 submitters: Uncertain significance (2). Last evaluated 2022-08-09.

Conditions:
Inborn genetic diseases. Identifiers: MedGen C0950123, MeSH D030342.
Charcot-Marie-Tooth disease type 2. Also called: Charcot-Marie-Tooth type 2. Identifiers: Orphanet 64746, MedGen C0270914, MONDO:0018993.

Allele frequency attached by ClinVar (database versions not stated): gnomAD 0.00003; TOPMed 0.00001.
gnomAD v4.1: 6 of 1,613,728 alleles (0.00037%); highest among the groups gnomAD compares: Non-Finnish European, 0.00051%; no homozygotes.

Submissions (2):

Labcorp Genetics (formerly Invitae), Labcorp
Classification: Uncertain significance for Charcot-Marie-Tooth disease type 2. Last evaluated: 2022-08-09. Review status: criteria provided, single submitter. Criteria: Invitae Variant Classification Sherloc (09022015). Collection method: clinical testing. Allele origin: germline.
Comment: In summary, the available evidence is currently insufficient to determine the role of this variant in disease. Therefore, it has been classified as a Variant of Uncertain Significance. Algorithms developed to predict the effect of missense changes on protein structure and function are either unavailable or do not agree on the potential impact of this missense change (SIFT: "Deleterious"; PolyPhen-2: "Probably Damaging"; Align-GVGD: "Class C0"). ClinVar contains an entry for this variant (Variation ID: 569245). This variant has not been reported in the literature in individuals affected with MED25-related conditions. This variant is present in population databases (no rsID available, gnomAD 0.007%). This sequence change replaces proline, which is neutral and non-polar, with histidine, which is basic and polar, at codon 319 of the MED25 protein (p.Pro319His).

Ambry Genetics
Classification: Uncertain significance for Inborn genetic diseases. Last evaluated: 2022-07-31. Review status: criteria provided, single submitter. Criteria: Ambry Variant Classification Scheme 2023. Collection method: clinical testing. Allele origin: germline.

NM_030973.4(MED25):c.956C>A (p.Pro319His)

Gene: MED25 (mediator complex subunit 25; plus strand). Cytogenetic location: 19q13.33.
Variant type: single nucleotide variant.
Coding change: c.956C>A on transcript NM_030973.4 (MANE Select); coding-DNA position 956, C replaced by A.
Protein change: p.Pro319His; replaces proline 319 with histidine.
Molecular consequence: missense variant.
Genome position (GRCh38, 1-based): chr19:49,830,742, C>A. VCF-style: chr19-49830742-C-A. GRCh37 (hg19) VCF-style: chr19-50333999-C-A.
Other names: c.956C>A, p.Pro319His (NM_001378355.1); short protein forms P319H.
Identifiers: ClinVar variation 569245 (VCV000569245.9), dbSNP rs139822988, ClinGen allele CA406914965.